The following is an entry in ClinVar:

NM_000059.4(BRCA2):c.2792G>A (p.Gly931Glu)

Gene: BRCA2 (BRCA2 DNA repair associated; plus strand). Cytogenetic location: 13q13.1.
Variant type: single nucleotide variant.
Coding change: c.2792G>A on transcript NM_000059.4 (MANE Select); coding-DNA position 2792, G replaced by A.
Protein change: p.Gly931Glu; replaces glycine 931 with glutamic acid.
Molecular consequence: missense variant.
Genome position (GRCh38, 1-based): chr13:32,337,147, G>A. VCF-style: chr13-32337147-G-A. GRCh37 (hg19) VCF-style: chr13-32911284-G-A.
Other names: short protein forms G931E.
Identifiers: ClinVar variation 141358 (VCV000141358.15), dbSNP rs587781685, ClinGen allele CA016375.
Genomic context (GRCh38, chr13:32,337,147, plus strand): 5'-AAACAGACTTGACTTGTGTAAACGAACCCATTTTCAAGAACTCTACCATGGTTTTATATG[G>A]AGACACAGGTGATAAACAAGCAACCCAAGTGTCAATTAAAAAAGATTTGGTTTATGTTCT-3'
Protein context (NP_000050.3, residues 921-941): IFKNSTMVLY[Gly931Glu]DTGDKQATQV

ClinVar aggregate classification (germline): Conflicting classifications of pathogenicity. Review status: criteria provided, conflicting classifications (1 of 4 stars). 3 submissions from 3 submitters: Uncertain significance (2); Likely benign (1). Last evaluated 2025-10-23.

Conditions:
Hereditary cancer-predisposing syndrome. Also called: Neoplastic Syndromes, Hereditary; Tumor predisposition; Hereditary Cancer Syndrome; Hereditary neoplastic syndrome. Identifiers: Orphanet 140162, MedGen C0027672, MeSH D009386, MONDO:0015356.
Hereditary breast ovarian cancer syndrome. Also called: Breast and ovarian cancer; Hereditary breast and ovarian cancer; Hereditary breast and/or ovarian cancer syndrome; BRCA1- and BRCA2-Associated Hereditary Breast and Ovarian Cancer; Hereditary breast and ovarian cancer syndrome; Hereditary breast and ovarian cancer syndrome (HBOC). Identifiers: Orphanet 145, MedGen C0677776, MeSH D061325, MONDO:0003582. Disease mechanism: loss of function.

Submissions (3):

Ambry Genetics
Classification: Uncertain significance for Hereditary cancer-predisposing syndrome. Last evaluated: 2025-10-23. Review status: criteria provided, single submitter. Criteria: Ambry Variant Classification Scheme 2023. Collection method: clinical testing. Allele origin: germline.
Comment: The p.G931E variant (also known as c.2792G>A), located in coding exon 10 of the BRCA2 gene, results from a G to A substitution at nucleotide position 2792. The glycine at codon 931 is replaced by glutamic acid, an amino acid with similar properties. This amino acid position is poorly conserved in available vertebrate species. In addition, this alteration is predicted to be tolerated by in silico analysis. Since supporting evidence is limited at this time, the clinical significance of this alteration remains unclear.

Labcorp Genetics (formerly Invitae), Labcorp
Classification: Uncertain significance for Hereditary breast ovarian cancer syndrome. Last evaluated: 2024-07-08. Review status: criteria provided, single submitter. Criteria: Invitae Variant Classification Sherloc (09022015). Collection method: clinical testing. Allele origin: germline.
Comment: This sequence change replaces glycine, which is neutral and non-polar, with glutamic acid, which is acidic and polar, at codon 931 of the BRCA2 protein (p.Gly931Glu). This variant is not present in population databases (gnomAD no frequency). This variant has not been reported in the literature in individuals affected with BRCA2-related conditions. ClinVar contains an entry for this variant (Variation ID: 141358). Advanced modeling of protein sequence and biophysical properties (such as structural, functional, and spatial information, amino acid conservation, physicochemical variation, residue mobility, and thermodynamic stability) performed at Invitae indicates that this missense variant is not expected to disrupt BRCA2 protein function with a negative predictive value of 95%. In summary, the available evidence is currently insufficient to determine the role of this variant in disease. Therefore, it has been classified as a Variant of Uncertain Significance.

University of Washington Department of Laboratory Medicine, University of Washington
Classification: Likely benign for Hereditary cancer-predisposing syndrome. Last evaluated: 2023-03-23. Review status: criteria provided, single submitter. Criteria: Dines et al. (Genet Med. 2020). Collection method: curation. Allele origin: germline.
Comment: Missense variant in a coldspot region where missense variants are very unlikely to be pathogenic (PMID:31911673).

BRCA2 exon 11 coldspot. Reclassification based on statistical prior probability.